The following is an entry in ClinVar:

ClinVar aggregate classification (germline): Uncertain significance (1 of 4 stars; one submission).

Conditions:
Tumor predisposition syndrome 3 (TPDS3). Also called: Melanoma, cutaneous malignant, susceptibility to, 10; Glioma susceptibility 9; LONG TELOMERE SYNDROME, POT1-RELATED; POT1 Tumor Predisposition. Identifiers: Orphanet 618, MedGen C4014476, MONDO:0014368, OMIM 615848.

Submission:

Labcorp Genetics (formerly Invitae), Labcorp
Classification: Uncertain significance for Tumor predisposition syndrome 3. Last evaluated: 2025-09-17. Review status: criteria provided, single submitter. Criteria: Invitae Variant Classification Sherloc (09022015). Collection method: clinical testing. Allele origin: germline.
Comment: This sequence change replaces aspartic acid, which is acidic and polar, with tyrosine, which is neutral and polar, at codon 291 of the POT1 protein (p.Asp291Tyr). This variant is not present in population databases (gnomAD no frequency). This variant has not been reported in the literature in individuals affected with POT1-related conditions. An algorithm developed to predict the effect of missense changes on protein structure and function (PolyPhen-2) suggests that this variant is likely to be tolerated. In summary, the available evidence is currently insufficient to determine the role of this variant in disease. Therefore, it has been classified as a Variant of Uncertain Significance.

NM_015450.3(POT1):c.871G>T (p.Asp291Tyr)

Gene: POT1 (protection of telomeres 1; minus strand). Cytogenetic location: 7q31.33.
Variant type: single nucleotide variant.
Coding change: c.871G>T on transcript NM_015450.3 (MANE Select); coding-DNA position 871, G replaced by T.
Protein change: p.Asp291Tyr; replaces aspartic acid 291 with tyrosine.
Molecular consequence: missense variant. On other transcripts: non-coding transcript variant (3).
Genome position (GRCh38, 1-based): chr7:124,851,950, C>A on the plus strand (G>T on the coding strand, the complement: POT1 is on the minus strand). VCF-style: chr7-124851950-C-A. GRCh37 (hg19) VCF-style: chr7-124492004-C-A.
Other names: c.478G>T, p.Asp160Tyr (NM_001042594.2); short protein forms D160Y, D291Y.
Identifiers: ClinVar variation 4726757 (VCV004726757.1).